The following is an entry in ClinVar:

NM_004519.4(KCNQ3):c.2270G>A (p.Arg757Gln)

Gene: KCNQ3 (potassium voltage-gated channel subfamily Q member 3; minus strand). Cytogenetic location: 8q24.22.
Variant type: single nucleotide variant.
Coding change: c.2270G>A on transcript NM_004519.4 (MANE Select); coding-DNA position 2270, G replaced by A.
Protein change: p.Arg757Gln; replaces arginine 757 with glutamine.
Molecular consequence: missense variant.
Genome position (GRCh38, 1-based): chr8:132,129,611, C>T on the plus strand (G>A on the coding strand, the complement: KCNQ3 is on the minus strand). VCF-style: chr8-132129611-C-T. GRCh37 (hg19) VCF-style: chr8-133141858-C-T.
Other names: c.1910G>A, p.Arg637Gln (NM_001204824.2); short protein forms R757Q, R637Q.
Identifiers: ClinVar variation 852618 (VCV000852618.8), dbSNP rs769248820, ClinGen allele CA4880480.

ClinVar aggregate classification (germline): Uncertain significance (1 of 4 stars; one submission).

Conditions:
Benign neonatal seizures. Also called: Benign familial neonatal epilepsy; Benign familial neonatal seizures; Benign neonatal familial convulsions; Convulsions benign familial neonatal dominant form; Autosomal dominant form of benign neonatal seizures. Identifiers: Orphanet 1949, MedGen C0220669, MONDO:0016027.

Allele frequency attached by ClinVar (database versions not stated): gnomAD 0.00001; TOPMed 0.00001; gnomAD exomes 0.00002 and 0.00005; ExAC 0.00005.
gnomAD v4.1: 36 of 1,613,952 alleles (0.0022%); highest among the groups gnomAD compares: South Asian, 0.012%; no homozygotes.

Submissions (2):

Labcorp Genetics (formerly Invitae), Labcorp
Classification: Uncertain significance for Benign neonatal seizures. Last evaluated: 2024-10-30. Review status: criteria provided, single submitter. Criteria: Invitae Variant Classification Sherloc (09022015). Collection method: clinical testing. Allele origin: germline.
Comment: This sequence change replaces arginine, which is basic and polar, with glutamine, which is neutral and polar, at codon 757 of the KCNQ3 protein (p.Arg757Gln). This variant is present in population databases (rs769248820, gnomAD 0.02%). This variant has not been reported in the literature in individuals affected with KCNQ3-related conditions. ClinVar contains an entry for this variant (Variation ID: 852618). Invitae Evidence Modeling of protein sequence and biophysical properties (such as structural, functional, and spatial information, amino acid conservation, physicochemical variation, residue mobility, and thermodynamic stability) indicates that this missense variant is not expected to disrupt KCNQ3 protein function with a negative predictive value of 95%. In summary, the available evidence is currently insufficient to determine the role of this variant in disease. Therefore, it has been classified as a Variant of Uncertain Significance.

Dr. Peter K. Rogan Lab, Western University
No classification provided (evidence only). Condition: Melanoma. Review status: no classification provided. Collection method: in vitro. Allele origin: not applicable. Functional consequence: retained intron. Not counted in ClinVar's aggregate classification.